The following is an entry in ClinVar:

ClinVar aggregate classification (germline): Uncertain significance (1 of 4 stars; one submission).

Submission:

CeGaT Center for Human Genetics Tuebingen
Classification: Uncertain significance. Last evaluated: 2026-01-01. Review status: criteria provided, single submitter. Criteria: CeGaT Center For Human Genetics Tuebingen Variant Classification Criteria Version 2. Collection method: clinical testing. Allele origin: germline. Affected: yes. Observed: 1 variant allele.
Comment: GABBR1: PM2

NM_001470.4(GABBR1):c.795_799del (p.Ser266fs)

Gene: GABBR1 (gamma-aminobutyric acid type B receptor subunit 1; minus strand). Cytogenetic location: 6p22.1.
Variant type: Deletion.
Coding change: c.795_799del on transcript NM_001470.4 (MANE Select); coding-DNA positions 795 to 799, 5 bases deleted (TTCCT; older notation c.795_799delTTCCT).
Protein change: p.Ser266fs; shifts the reading frame from serine 266.
Molecular consequence: frameshift variant.
Genome position (GRCh38, 1-based): chr6:29,623,469-29,623,473, AGGAA deleted on the plus strand (TTCCT on the coding strand, the reverse complement: GABBR1 is on the minus strand); deleting any 5 consecutive bases within chr6:29,623,469-29,623,475 gives the same sequence; the c. name uses the placement nearest the transcript's 3' end. VCF-style (leftmost placement, unchanged base first): chr6-29623468-TAGGAA-T. GRCh37 (hg19) VCF-style: chr6-29591245-TAGGAA-T.
Other names: c.264_268del, p.Ser89fs (NM_001319053.2); c.444_448del, p.Ser149fs (NM_021903.3); c.609_613del, p.Ser204fs (NM_021904.4); short protein forms S149fs, S204fs, S266fs, S89fs.
Identifiers: ClinVar variation 4822899 (VCV004822899.4).